The following is an entry in ClinVar:

NM_144670.6(A2ML1):c.2572A>G (p.Ile858Val)

Gene: A2ML1 (alpha-2-macroglobulin like 1; plus strand). Cytogenetic location: 12p13.31.
Variant type: single nucleotide variant.
Coding change: c.2572A>G on transcript NM_144670.6 (MANE Select); coding-DNA position 2572, A replaced by G.
Protein change: p.Ile858Val; replaces isoleucine 858 with valine.
Molecular consequence: missense variant.
Genome position (GRCh38, 1-based): chr12:8,852,318, A>G. VCF-style: chr12-8852318-A-G. GRCh37 (hg19) VCF-style: chr12-9004914-A-G.
Other names: c.1099A>G, p.Ile367Val (NM_001282424.3); short protein forms I367V, I858V.
Identifiers: ClinVar variation 1005513 (VCV001005513.8), dbSNP rs752399681, ClinGen allele CA6436046.

ClinVar aggregate classification (germline): Uncertain significance (1 of 4 stars; one submission).

Allele frequency attached by ClinVar (database versions not stated): ExAC 0.00001; gnomAD exomes 0.00001.
gnomAD v4.1: 4 of 1,614,198 alleles (0.00025%); highest among the groups gnomAD compares: South Asian, 0.0022%; no homozygotes.

Submission:

Labcorp Genetics (formerly Invitae), Labcorp
Classification: Uncertain significance. Last evaluated: 2025-02-05. Review status: criteria provided, single submitter. Criteria: Invitae Variant Classification Sherloc (09022015). Collection method: clinical testing. Allele origin: germline.
Comment: This sequence change replaces isoleucine, which is neutral and non-polar, with valine, which is neutral and non-polar, at codon 858 of the A2ML1 protein (p.Ile858Val). This variant is present in population databases (rs752399681, gnomAD 0.003%). This variant has not been reported in the literature in individuals affected with A2ML1-related conditions. ClinVar contains an entry for this variant (Variation ID: 1005513). An algorithm developed to predict the effect of missense changes on protein structure and function (PolyPhen-2) suggests that this variant is likely to be tolerated. In summary, the available evidence is currently insufficient to determine the role of this variant in disease. Therefore, it has been classified as a Variant of Uncertain Significance.